The following is an entry in ClinVar:

NM_001242896.3(DEPDC5):c.3564-3C>G

Gene: DEPDC5 (DEP domain containing 5, GATOR1 subcomplex subunit; plus strand). Cytogenetic location: 22q12.3.
Variant type: single nucleotide variant.
Coding change: c.3564-3C>G on transcript NM_001242896.3 (MANE Select); 3 bases into the intron before coding-DNA position 3564, C replaced by G.
Molecular consequence: intron variant.
Genome position (GRCh38, 1-based): chr22:31,874,270, C>G. VCF-style: chr22-31874270-C-G. GRCh37 (hg19) VCF-style: chr22-32270256-C-G.
Other names: c.3564-3C>G (NM_001364318.2); c.3537-3C>G (NM_001136029.4); c.3471-3C>G (NM_014662.6, NM_001369903.1); c.3498-3C>G (NM_001363852.2, NM_001364320.2); c.3330-3C>G (NM_001363854.2, NM_001364319.2); c.3264-3C>G (NM_001242897.2); c.3480-3C>G (NM_001369902.1, NM_001369901.1).
Identifiers: ClinVar variation 836336 (VCV000836336.7), dbSNP rs2092931141, ClinGen allele CA916083819.

ClinVar aggregate classification (germline): Uncertain significance (1 of 4 stars; one submission).

Conditions:
Familial focal epilepsy with variable foci (FPEVF). Identifiers: Orphanet 98820, MedGen C1858477, MONDO:0020310.

Allele frequency attached by ClinVar (database versions not stated): gnomAD 0.00001; gnomAD exomes 0.00002.
gnomAD v4.1: 29 of 1,605,942 alleles (0.0018%); highest among the groups gnomAD compares: Non-Finnish European, 0.0024%; no homozygotes.

Submission:

Labcorp Genetics (formerly Invitae), Labcorp
Classification: Uncertain significance for Familial focal epilepsy with variable foci. Last evaluated: 2022-03-18. Review status: criteria provided, single submitter. Criteria: Invitae Variant Classification Sherloc (09022015). Collection method: clinical testing. Allele origin: germline.
Comment: Variants that disrupt the consensus splice site are a relatively common cause of aberrant splicing (PMID: 17576681, 9536098). Algorithms developed to predict the effect of sequence changes on RNA splicing suggest that this variant may disrupt the consensus splice site. In summary, the available evidence is currently insufficient to determine the role of this variant in disease. Therefore, it has been classified as a Variant of Uncertain Significance. ClinVar contains an entry for this variant (Variation ID: 836336). This sequence change falls in intron 35 of the DEPDC5 gene. It does not directly change the encoded amino acid sequence of the DEPDC5 protein. It affects a nucleotide within the consensus splice site. This variant is not present in population databases (gnomAD no frequency). This variant has not been reported in the literature in individuals affected with DEPDC5-related conditions.

Literature cited by the submitters: PubMed 17576681; PubMed 9536098.